The following is an entry in ClinVar:

ClinVar aggregate classification (germline): Conflicting classifications of pathogenicity. Review status: criteria provided, conflicting classifications (1 of 4 stars). 2 submissions from 2 submitters: Pathogenic (1); Uncertain significance (1). Last evaluated 2024-10-16.

Allele frequency attached by ClinVar (database versions not stated): TOPMed below 0.00001; gnomAD exomes 0.00001.
gnomAD v4.1: 20 of 1,614,092 alleles (0.0012%); highest among the groups gnomAD compares: East Asian, 0.0022%; no homozygotes.

Submissions (2):

Labcorp Genetics (formerly Invitae), Labcorp
Classification: Pathogenic. Last evaluated: 2024-10-16. Review status: criteria provided, single submitter. Criteria: Invitae Variant Classification Sherloc (09022015). Collection method: clinical testing. Allele origin: germline.
Comment: This sequence change replaces arginine, which is basic and polar, with tryptophan, which is neutral and slightly polar, at codon 95 of the ARSG protein (p.Arg95Trp). This variant is not present in population databases (gnomAD no frequency). This missense change has been observed in individual(s) with clinical features of Usher syndrome (PMID: 34223797; internal data). In at least one individual the data is consistent with being in trans (on the opposite chromosome) from a pathogenic variant. It has also been observed to segregate with disease in related individuals. ClinVar contains an entry for this variant (Variation ID: 934156). Invitae Evidence Modeling of protein sequence and biophysical properties (such as structural, functional, and spatial information, amino acid conservation, physicochemical variation, residue mobility, and thermodynamic stability) indicates that this missense variant is expected to disrupt ARSG protein function with a positive predictive value of 80%. For these reasons, this variant has been classified as Pathogenic.

Blueprint Genetics
Classification: Uncertain significance. Last evaluated: 2024-09-12. Review status: criteria provided, single submitter. Criteria: ACMG Guidelines, 2015. Collection method: clinical testing. Allele origin: germline.

Literature cited by the submitters: PubMed 34223797 (cited by Labcorp Genetics (formerly Invitae), Labcorp).

NM_001267727.2(ARSG):c.283C>T (p.Arg95Trp)

Gene: ARSG (arylsulfatase G; plus strand). Cytogenetic location: 17q24.2.
Variant type: single nucleotide variant.
Coding change: c.283C>T on transcript NM_001267727.2 (MANE Select); coding-DNA position 283, C replaced by T.
Protein change: p.Arg95Trp; replaces arginine 95 with tryptophan.
Molecular consequence: missense variant.
Genome position (GRCh38, 1-based): chr17:68,343,668, C>T. VCF-style: chr17-68343668-C-T. GRCh37 (hg19) VCF-style: chr17-66339809-C-T.
Other names: c.283C>T, p.Arg95Trp (NM_001352899.2, NM_001352900.2, NM_001352901.2 and 9 more transcripts); short protein forms R95W.
Identifiers: ClinVar variation 934156 (VCV000934156.10), dbSNP rs1016594361, ClinGen allele CA293280708.